The following is an entry in ClinVar:

NM_001759.4(CCND2):c.829C>T (p.Gln277Ter)

Gene: CCND2 (cyclin D2; plus strand). Cytogenetic location: 12p13.32.
Variant type: single nucleotide variant.
Coding change: c.829C>T on transcript NM_001759.4 (MANE Select); coding-DNA position 829, C replaced by T.
Protein change: p.Gln277Ter; replaces glutamine 277 with a stop codon.
Molecular consequence: nonsense.
Genome position (GRCh38, 1-based): chr12:4,299,968, C>T. VCF-style: chr12-4299968-C-T. GRCh37 (hg19) VCF-style: chr12-4409134-C-T.
Other names: c.829C>T (NM_001759.3); short protein forms Q277*.
Identifiers: ClinVar variation 987230 (VCV000987230.8), dbSNP rs1864225645, ClinGen allele CA383413726.

ClinVar aggregate classification (germline): Pathogenic/Likely pathogenic. Review status: criteria provided, multiple submitters, no conflicts (2 of 4 stars). 6 submissions from 6 submitters: Pathogenic (2); Likely pathogenic (4). Last evaluated 2026-03-04.

Conditions:
CCND2-related disorder. Also called: CCND2-related condition.
Megalencephaly-polymicrogyria-polydactyly-hydrocephalus syndrome 3 (MPPH3). Identifiers: Orphanet 83473, MedGen C4014742, MONDO:0014408, OMIM 615938.

Allele frequency attached by ClinVar (database versions not stated): gnomAD exomes below 0.00001.

Submissions (6):

Women's Health and Genetics/Laboratory Corporation of America, LabCorp
Classification: Pathogenic for Megalencephaly-polymicrogyria-polydactyly-hydrocephalus syndrome 3. Last evaluated: 2026-03-04. Review status: criteria provided, single submitter. Criteria: LabCorp Variant Classification Summary - May 2015. Collection method: clinical testing. Allele origin: germline.
Comment: Variant summary: CCND2 c.829C>T (p.Gln277X) results in a premature termination codon, predicted to cause a truncation of the encoded protein or absence of the protein due to nonsense mediated decay, however current evidence is not sufficient to establish loss of function as a mechanism for disease. The variant was absent in 251304 control chromosomes. c.829C>T has been observed as a de novo change in at least two individuals affected with Megalencephaly-Polymicrogyria Syndrome 3 (Zhao_2024, internal data). These data indicate that the variant is very likely to be associated with disease. To our knowledge, no experimental evidence demonstrating an impact on protein function has been reported. The following publications have been ascertained in the context of this evaluation (PMID: 38700464). ClinVar contains an entry for this variant (Variation ID: 987230). Based on the evidence outlined above, the variant was classified as pathogenic.

GeneDx
Classification: Pathogenic. Last evaluated: 2025-10-20. Review status: criteria provided, single submitter. Criteria: GeneDx Variant Classification Process June 2021. Collection method: clinical testing. Allele origin: germline.
Comment: Nonsense variant predicted to result in protein truncation as the last 13 amino acids are lost; Not observed at significant frequency in large population cohorts (gnomAD); This variant is associated with the following publications: (PMID: 27843138, 38700464)

Dasa
Classification: Likely pathogenic. Last evaluated: 2024-08-25. Review status: criteria provided, single submitter. Criteria: DASA Assertion Criteria. Collection method: clinical testing. Allele origin: germline.
Comment: NM_001759.4(CCND2):c.829C>T (p.Gln277*) is a nonsense variant in CCND2 predicted to introduce a premature termination codon and is predicted to result in an absent or altered protein product. Loss of function is an established disease mechanism for CCND2-associated disorders. This variant has been reported in individuals with CCND2-related disorders. De novo occurrence has been reported in an individual with CCND2-related disorders. Also, this variant is rare in population databases. Based on the currently available evidence, this variant is classified as likely pathogenic.

Fulgent Genetics
Classification: Likely pathogenic for Megalencephaly-polymicrogyria-polydactyly-hydrocephalus syndrome 3. Last evaluated: 2024-05-28. Review status: criteria provided, single submitter. Criteria: ACMG Guidelines, 2015. Collection method: clinical testing. Allele origin: germline.

Blueprint Genetics
Classification: Likely pathogenic for CCND2-related disorders. Last evaluated: 2024-01-18. Review status: criteria provided, single submitter. Criteria: ACMG Guidelines, 2015. Collection method: clinical testing. Allele origin: de novo. Affected: yes. Observed: 1 variant allele.

Institute of Medical Genetics and Applied Genomics, University Hospital Tübingen
Classification: Likely pathogenic. Last evaluated: 2020-10-23. Review status: criteria provided, single submitter. Criteria: ACMG Guidelines, 2015. Collection method: clinical testing. Allele origin: germline. Inheritance: Unknown mechanism. Affected: yes.

Literature cited by the submitters: PubMed 38700464 (cited by Women's Health and Genetics/Laboratory Corporation of America, LabCorp).